The following is an entry in ClinVar:

ClinVar aggregate classification (germline): Uncertain significance (1 of 4 stars; one submission).

gnomAD v4.1: 9 of 1,614,086 alleles (0.00056%); highest among the groups gnomAD compares: East Asian, 0.0022%; no homozygotes.

Submission:

Labcorp Genetics (formerly Invitae), Labcorp
Classification: Uncertain significance. Last evaluated: 2023-03-20. Review status: criteria provided, single submitter. Criteria: Invitae Variant Classification Sherloc (09022015). Collection method: clinical testing. Allele origin: germline.
Comment: In summary, the available evidence is currently insufficient to determine the role of this variant in disease. Therefore, it has been classified as a Variant of Uncertain Significance. This sequence change affects codon 908 of the LIG1 mRNA. It is a 'silent' change, meaning that it does not change the encoded amino acid sequence of the LIG1 protein. This variant is present in population databases (rs777120650, gnomAD 0.006%). This variant has not been reported in the literature in individuals affected with LIG1-related conditions. Algorithms developed to predict the effect of sequence changes on RNA splicing suggest that this variant may create or strengthen a splice site.

NM_000234.3(LIG1):c.2724C>T (p.Gly908=)

Gene: LIG1 (DNA ligase 1; minus strand). Cytogenetic location: 19q13.33.
Variant type: single nucleotide variant.
Coding change: c.2724C>T on transcript NM_000234.3 (MANE Select); coding-DNA position 2724, C replaced by T.
Protein change: p.Gly908=; no amino-acid change (glycine 908 retained).
Molecular consequence: synonymous variant. On other transcripts: non-coding transcript variant (6).
Genome position (GRCh38, 1-based): chr19:48,115,685, G>A on the plus strand (C>T on the coding strand, the complement: LIG1 is on the minus strand). VCF-style: chr19-48115685-G-A. GRCh37 (hg19) VCF-style: chr19-48618942-G-A.
Other names: c.2631C>T, p.Gly877= (NM_001289063.2); c.2520C>T, p.Gly840= (NM_001289064.2); c.2721C>T, p.Gly907= (NM_001320970.2); c.2634C>T, p.Gly878= (NM_001320971.2).
Identifiers: ClinVar variation 2984397 (VCV002984397.3), dbSNP rs777120650, ClinGen allele CA9546282.